The following is an entry in ClinVar:

NM_001273.5(CHD4):c.4526T>C (p.Phe1509Ser)

Genes: CHD4 (chromodomain helicase DNA binding protein 4; minus strand), CHD4-AS1 (CHD4 antisense RNA 1; plus strand). Cytogenetic location: 12p13.31.
Variant type: single nucleotide variant.
Coding change: c.4526T>C on transcript NM_001273.5 (MANE Select); coding-DNA position 4526, T replaced by C.
Protein change: p.Phe1509Ser; replaces phenylalanine 1509 with serine.
Molecular consequence: missense variant.
Genome position (GRCh38, 1-based): chr12:6,581,804, A>G on the plus strand (T>C on the coding strand, the complement: CHD4 is on the minus strand). VCF-style: chr12-6581804-A-G. GRCh37 (hg19) VCF-style: chr12-6690970-A-G.
Other names: c.4505T>C, p.Phe1502Ser (NM_001297553.2); c.4487T>C, p.Phe1496Ser (NM_001363606.2); short protein forms F1496S, F1502S, F1509S.
Identifiers: ClinVar variation 3368767 (VCV003368767.1).

ClinVar aggregate classification (germline): Uncertain significance (1 of 4 stars; one submission).

Submission:

GeneDx
Classification: Uncertain significance. Last evaluated: 2024-02-02. Review status: criteria provided, single submitter. Criteria: GeneDx Variant Classification Process June 2021. Collection method: clinical testing. Allele origin: germline. Affected: yes.
Comment: Not observed at significant frequency in large population cohorts (gnomAD); In silico analysis supports that this missense variant has a deleterious effect on protein structure/function; Has not been previously published as pathogenic or benign to our knowledge